The following is an entry in ClinVar:

ClinVar aggregate classification (germline): Pathogenic (1 of 4 stars; one submission).

Submission:

Labcorp Genetics (formerly Invitae), Labcorp
Classification: Pathogenic. Last evaluated: 2025-10-01. Review status: criteria provided, single submitter. Criteria: Invitae Variant Classification Sherloc (09022015). Collection method: clinical testing. Allele origin: germline.
Comment: This sequence change creates a premature translational stop signal (p.Lys429*) in the COL9A2 gene. It is expected to result in an absent or disrupted protein product. Loss-of-function variants in COL9A2 are known to be pathogenic (PMID: 21671392, 33356723). This variant is not present in population databases (gnomAD no frequency). This variant has not been reported in the literature in individuals affected with COL9A2-related conditions. Algorithms developed to predict the effect of sequence changes on RNA splicing suggest that this variant may disrupt the consensus splice site. For these reasons, this variant has been classified as Pathogenic.

Literature cited by the submitters: PubMed 21671392; PubMed 33356723.

NM_001852.4(COL9A2):c.1285A>T (p.Lys429Ter)

Gene: COL9A2 (collagen type IX alpha 2 chain; minus strand). Cytogenetic location: 1p34.2.
Variant type: single nucleotide variant.
Coding change: c.1285A>T on transcript NM_001852.4 (MANE Select); coding-DNA position 1285, A replaced by T.
Protein change: p.Lys429Ter; replaces lysine 429 with a stop codon.
Molecular consequence: nonsense.
Genome position (GRCh38, 1-based): chr1:40,304,322, T>A on the plus strand (A>T on the coding strand, the complement: COL9A2 is on the minus strand). VCF-style: chr1-40304322-T-A. GRCh37 (hg19) VCF-style: chr1-40769994-T-A.
Other names: short protein forms K429*.
Identifiers: ClinVar variation 4727641 (VCV004727641.1).